The following is an entry in ClinVar:

ClinVar aggregate classification (germline): Likely benign (1 of 4 stars; one submission).

gnomAD v4.1: 68 of 1,614,188 alleles (0.0042%); highest among the groups gnomAD compares: Middle Eastern, 0.066%; no homozygotes.

Submission:

CeGaT Center for Human Genetics Tuebingen
Classification: Likely benign. Last evaluated: 2025-10-01. Review status: criteria provided, single submitter. Criteria: CeGaT Center For Human Genetics Tuebingen Variant Classification Criteria Version 2. Collection method: clinical testing. Allele origin: germline. Affected: yes. Observed: 1 variant allele.
Comment: VPS16: BP4

NM_022575.4(VPS16):c.2197G>A (p.Ala733Thr)

Genes: PTPRA (protein tyrosine phosphatase receptor type A; plus strand), VPS16 (VPS16 core subunit of CORVET and HOPS complexes; plus strand). Cytogenetic location: 20p13.
Variant type: single nucleotide variant.
Coding change: c.2197G>A on transcript NM_022575.4 (MANE Select); coding-DNA position 2197, G replaced by A.
Protein change: p.Ala733Thr; replaces alanine 733 with threonine.
Molecular consequence: missense variant. On other transcripts: intron variant (1).
Genome position (GRCh38, 1-based): chr20:2,865,421, G>A. VCF-style: chr20-2865421-G-A. GRCh37 (hg19) VCF-style: chr20-2846067-G-A.
Other names: c.1765G>A, p.Ala589Thr (NM_080413.3); c.-129+104G>A (NM_002836.4); short protein forms A589T, A733T.
Identifiers: ClinVar variation 4533610 (VCV004533610.6).
Genomic context (GRCh38, chr20:2,865,421, plus strand): 5'-CCTCTCCTGCAACACCTCCAAGCCCAGCTTTCCTGCAGGCTCTGGTGGCTGAAGCTGACT[G>A]CCCTGGCAGATTTGGAAGATTGGGAAGAGCTAGAGAAGTTTTCCAAGAGCAAGAAATCAC-3'
Protein context (NP_072097.2, residues 723-743): DKRLWWLKLT[Ala733Thr]LADLEDWEEL